The following is an entry in ClinVar:

ClinVar aggregate classification (germline): Uncertain significance (1 of 4 stars; one submission).

Conditions:
Inborn genetic diseases. Identifiers: MedGen C0950123, MeSH D030342.

gnomAD v4.1: 1 of 1,613,890 alleles (0.000062%); highest among the groups gnomAD compares: Non-Finnish European, 0.000085%; no homozygotes.

Submission:

Ambry Genetics
Classification: Uncertain significance for Inborn genetic diseases. Last evaluated: 2024-11-28. Review status: criteria provided, single submitter. Criteria: Ambry Variant Classification Scheme 2023. Collection method: clinical testing. Allele origin: germline.
Comment: The p.H100Q variant (also known as c.300C>G), located in coding exon 1 of the SAMD9L gene, results from a C to G substitution at nucleotide position 300. The histidine at codon 100 is replaced by glutamine, an amino acid with highly similar properties. This amino acid position is conserved. In addition, this alteration is predicted to be tolerated by in silico analysis. Based on the available evidence, the clinical significance of this variant remains unclear.

NM_152703.5(SAMD9L):c.300C>G (p.His100Gln)

Gene: SAMD9L (sterile alpha motif domain containing 9 like; minus strand). Cytogenetic location: 7q21.2.
Variant type: single nucleotide variant.
Coding change: c.300C>G on transcript NM_152703.5 (MANE Select); coding-DNA position 300, C replaced by G.
Protein change: p.His100Gln; replaces histidine 100 with glutamine.
Molecular consequence: missense variant.
Genome position (GRCh38, 1-based): chr7:93,135,672, G>C on the plus strand (C>G on the coding strand, the complement: SAMD9L is on the minus strand). VCF-style: chr7-93135672-G-C. GRCh37 (hg19) VCF-style: chr7-92764985-G-C.
Other names: c.300C>G, p.His100Gln (NM_001303496.3, NM_001303497.3, NM_001303498.3 and 5 more transcripts); short protein forms H100Q.
Identifiers: ClinVar variation 3437196 (VCV003437196.1).
Genomic context (GRCh38, chr7:93,135,672, plus strand): 5'-ATCAATATTAGATGACATTGAATTTTCTTCTTCCTTTTTGGTGTGTTTTGGATTTTTCTG[G>C]TGTTCTGTTTTGGACGGTTTTGAATTATCTAATTGTCCCGGATCATGATTGTCACTTTCA-3'
Protein context (NP_689916.2, residues 90-110): LDNSKPSKTE[His100Gln]QKNPKHTKKE